The following is an entry in ClinVar:

NM_001040108.2(MLH3):c.3410C>G (p.Ser1137Trp)

Gene: MLH3 (mutL homolog 3; minus strand). Cytogenetic location: 14q24.3.
Variant type: single nucleotide variant.
Coding change: c.3410C>G on transcript NM_001040108.2 (MANE Select); coding-DNA position 3410, C replaced by G.
Protein change: p.Ser1137Trp; replaces serine 1137 with tryptophan.
Molecular consequence: missense variant.
Genome position (GRCh38, 1-based): chr14:75,041,670, G>C on the plus strand (C>G on the coding strand, the complement: MLH3 is on the minus strand). VCF-style: chr14-75041670-G-C. GRCh37 (hg19) VCF-style: chr14-75508373-G-C.
Other names: c.3410C>G, p.Ser1137Trp (NM_014381.3); short protein forms S1137W.
Identifiers: ClinVar variation 4055497 (VCV004055497.1).
Genomic context (GRCh38, chr14:75,041,670, plus strand): 5'-CCCACCTCTGGATAACGGGCAAATACTGGATTGTCCCATTCTGAGAACAAAGACTGAAGC[G>C]ATTCGCTACTAACAGTATCATCCACAGTATCTAGGGCAAAAGGGAACAGGTAAAGTTGGC-3'
Protein context (NP_001035197.1, residues 1127-1147): DTVDDTVSSE[Ser1137Trp]LQSLFSEWDN

ClinVar aggregate classification (germline): Uncertain significance (1 of 4 stars; one submission).

gnomAD v4.1: 1 of 1,614,016 alleles (0.000062%); highest among the groups gnomAD compares: Non-Finnish European, 0.000085%; no homozygotes.

Submission:

Ambry Genetics
Classification: Uncertain significance. Last evaluated: 2025-05-10. Review status: criteria provided, single submitter. Criteria: Ambry Variant Classification Scheme 2023. Collection method: clinical testing. Allele origin: germline.
Comment: The p.S1137W variant (also known as c.3410C>G), located in coding exon 3 of the MLH3 gene, results from a C to G substitution at nucleotide position 3410. The serine at codon 1137 is replaced by tryptophan, an amino acid with highly dissimilar properties. This amino acid position is conserved. In addition, the in silico prediction for this alteration is inconclusive. Based on the available evidence, the clinical significance of this variant remains unclear.